The following is an entry in ClinVar:

ClinVar aggregate classification (germline): Uncertain significance. Review status: criteria provided, multiple submitters, no conflicts (2 of 4 stars). 2 submissions from 2 submitters: Uncertain significance (2). Last evaluated 2025-09-10.

Conditions:
Erythrocytosis, familial, 3 (ECYT3). Identifiers: Orphanet 247511, MedGen C1853286, MONDO:0012353, OMIM 609820.

Submissions (2):

Ambry Genetics
Classification: Uncertain significance. Last evaluated: 2025-09-10. Review status: criteria provided, single submitter. Criteria: Ambry Variant Classification Scheme 2023. Collection method: clinical testing. Allele origin: germline.
Comment: The p.E141K variant (also known as c.421G>A), located in coding exon 1 of the EGLN1 gene, results from a G to A substitution at nucleotide position 421. The glutamic acid at codon 141 is replaced by lysine, an amino acid with similar properties. This amino acid position is conserved. In addition, this alteration is predicted to be tolerated by in silico analysis. Based on the available evidence, the clinical significance of this variant remains unclear.

Labcorp Genetics (formerly Invitae), Labcorp
Classification: Uncertain significance for Erythrocytosis, familial, 3. Last evaluated: 2024-12-04. Review status: criteria provided, single submitter. Criteria: Invitae Variant Classification Sherloc (09022015). Collection method: clinical testing. Allele origin: germline.
Comment: This sequence change replaces glutamic acid, which is acidic and polar, with lysine, which is basic and polar, at codon 141 of the EGLN1 protein (p.Glu141Lys). This variant is not present in population databases (gnomAD no frequency). This variant has not been reported in the literature in individuals affected with EGLN1-related conditions. An algorithm developed to predict the effect of missense changes on protein structure and function (PolyPhen-2) suggests that this variant is likely to be tolerated. In summary, the available evidence is currently insufficient to determine the role of this variant in disease. Therefore, it has been classified as a Variant of Uncertain Significance.

NM_022051.3(EGLN1):c.421G>A (p.Glu141Lys)

Gene: EGLN1 (egl-9 family hypoxia inducible factor 1; minus strand). Cytogenetic location: 1q42.2.
Variant type: single nucleotide variant.
Coding change: c.421G>A on transcript NM_022051.3 (MANE Select); coding-DNA position 421, G replaced by A.
Protein change: p.Glu141Lys; replaces glutamic acid 141 with lysine.
Molecular consequence: missense variant.
Genome position (GRCh38, 1-based): chr1:231,421,468, C>T on the plus strand (G>A on the coding strand, the complement: EGLN1 is on the minus strand). VCF-style: chr1-231421468-C-T. GRCh37 (hg19) VCF-style: chr1-231557214-C-T.
Other names: c.421G>A, p.Glu141Lys (NM_001377260.1, NM_001377261.1); c.421G>A (NM_022051.2); short protein forms E141K.
Identifiers: ClinVar variation 3710803 (VCV003710803.3).
Genomic context (GRCh38, chr1:231,421,468, plus strand): 5'-TCGCCTTCTCCTGGAACAGCGATGAGCGGGCCGGCGGCTCCTCCTTGCCGGGCTCGGCTT[C>T]GGCAGCCACCGCCGAGCCCTGGCCGCCGGCGGCCGCACGACACGGCGACGCGGCCGCCGC-3'
Protein context (NP_071334.1, residues 131-151): AGGQGSAVAA[Glu141Lys]AEPGKEEPPA